The following is an entry in ClinVar:

ClinVar aggregate classification (germline): Uncertain significance (1 of 4 stars; one submission).

gnomAD v4.1: 4 of 1,612,036 alleles (0.00025%); highest among the groups gnomAD compares: African/African-American, 0.0027%; no homozygotes.

Submission:

Labcorp Genetics (formerly Invitae), Labcorp
Classification: Uncertain significance. Last evaluated: 2024-12-19. Review status: criteria provided, single submitter. Criteria: Invitae Variant Classification Sherloc (09022015). Collection method: clinical testing. Allele origin: germline.
Comment: This sequence change replaces serine, which is neutral and polar, with proline, which is neutral and non-polar, at codon 342 of the LRRK1 protein (p.Ser342Pro). This variant is present in population databases (no rsID available, gnomAD 0.01%). This variant has not been reported in the literature in individuals affected with LRRK1-related conditions. An algorithm developed to predict the effect of missense changes on protein structure and function outputs the following: PolyPhen-2: "Benign". The proline amino acid residue is found in multiple mammalian species, which suggests that this missense change does not adversely affect protein function. In summary, the available evidence is currently insufficient to determine the role of this variant in disease. Therefore, it has been classified as a Variant of Uncertain Significance.

NM_024652.6(LRRK1):c.1024T>C (p.Ser342Pro)

Gene: LRRK1 (leucine rich repeat kinase 1; plus strand). Cytogenetic location: 15q26.3.
Variant type: single nucleotide variant.
Coding change: c.1024T>C on transcript NM_024652.6 (MANE Select); coding-DNA position 1024, T replaced by C.
Protein change: p.Ser342Pro; replaces serine 342 with proline.
Molecular consequence: missense variant.
Genome position (GRCh38, 1-based): chr15:101,010,484, T>C. VCF-style: chr15-101010484-T-C. GRCh37 (hg19) VCF-style: chr15-101550689-T-C.
Other names: short protein forms S342P.
Identifiers: ClinVar variation 3620149 (VCV003620149.2).